The following is an entry in ClinVar:

ClinVar aggregate classification (germline): Uncertain significance (1 of 4 stars; one submission).

Submission:

Labcorp Genetics (formerly Invitae), Labcorp
Classification: Uncertain significance. Last evaluated: 2025-02-25. Review status: criteria provided, single submitter. Criteria: Invitae Variant Classification Sherloc (09022015). Collection method: clinical testing. Allele origin: germline.
Comment: This sequence change replaces glutamic acid, which is acidic and polar, with glycine, which is neutral and non-polar, at codon 627 of the LZTR1 protein (p.Glu627Gly). This variant is not present in population databases (gnomAD no frequency). This variant has not been reported in the literature in individuals affected with LZTR1-related conditions. Invitae Evidence Modeling of protein sequence and biophysical properties (such as structural, functional, and spatial information, amino acid conservation, physicochemical variation, residue mobility, and thermodynamic stability) indicates that this missense variant is not expected to disrupt LZTR1 protein function with a negative predictive value of 80%. In summary, the available evidence is currently insufficient to determine the role of this variant in disease. Therefore, it has been classified as a Variant of Uncertain Significance.

NM_006767.4(LZTR1):c.1880A>G (p.Glu627Gly)

Gene: LZTR1 (leucine zipper like post translational regulator 1; plus strand). Cytogenetic location: 22q11.21.
Variant type: single nucleotide variant.
Coding change: c.1880A>G on transcript NM_006767.4 (MANE Select); coding-DNA position 1880, A replaced by G.
Protein change: p.Glu627Gly; replaces glutamic acid 627 with glycine.
Molecular consequence: missense variant.
Genome position (GRCh38, 1-based): chr22:20,994,964, A>G. VCF-style: chr22-20994964-A-G. GRCh37 (hg19) VCF-style: chr22-21349253-A-G.
Other names: short protein forms E627G.
Identifiers: ClinVar variation 4745544 (VCV004745544.1).
Genomic context (GRCh38, chr22:20,994,964, plus strand): 5'-ACTTCAACCAGGTGATCATGATGAAGGAGTTCGAGCGCCTCTCCTCTCCACTGATAGTGG[A>G]GATTGTGCGGCGGAAGCAGCAGCCGCCCCCTCGCACTCCCTTGGACCAGCCAGTGGACAT-3'
Protein context (NP_006758.2, residues 617-637): FERLSSPLIV[Glu627Gly]IVRRKQQPPP